The following is an entry in ClinVar:

NM_000038.6(APC):c.2761_2766del (p.Ala921_Leu922del)

Gene: APC (APC regulator of Wnt signaling pathway; plus strand). Cytogenetic location: 5q22.2.
Variant type: Deletion.
Coding change: c.2761_2766del on transcript NM_000038.6 (MANE Select); coding-DNA positions 2761 to 2766, 6 bases deleted (GCACTT; older notation c.2761_2766delGCACTT).
Protein change: p.Ala921_Leu922del.
Molecular consequence: inframe deletion.
Genome position (GRCh38, 1-based): chr5:112,838,355-112,838,360, GCACTT deleted; deleting any 6 consecutive bases within chr5:112,838,354-112,838,360 gives the same sequence; the c. name uses the placement nearest the transcript's 3' end. VCF-style (leftmost placement, unchanged base first): chr5-112838353-ATGCACT-A. GRCh37 (hg19) VCF-style: chr5-112174050-ATGCACT-A.
Other names: c.2761_2766del, p.Ala921_Leu922del (NM_001127510.3, NM_001354895.2); c.2707_2712del, p.Ala903_Leu904del (NM_001127511.3); c.2815_2820del, p.Ala939_Leu940del (NM_001354896.2); c.2791_2796del, p.Ala931_Leu932del (NM_001354897.2); c.2686_2691del, p.Ala896_Leu897del (NM_001354898.2); c.2677_2682del, p.Ala893_Leu894del (NM_001354899.2); c.2638_2643del, p.Ala880_Leu881del (NM_001354900.2); c.2584_2589del, p.Ala862_Leu863del (NM_001354901.2); and 5 more.
Identifiers: ClinVar variation 821774 (VCV000821774.5), dbSNP rs1580626626, ClinGen allele CA915942626.

ClinVar aggregate classification (germline): Uncertain significance (1 of 4 stars; one submission).

Conditions:
Hereditary cancer-predisposing syndrome. Also called: Tumor predisposition; Hereditary Cancer Syndrome; Neoplastic Syndromes, Hereditary; Hereditary neoplastic syndrome. Identifiers: Orphanet 140162, MedGen C0027672, MeSH D009386, MONDO:0015356.

Submission:

Ambry Genetics
Classification: Uncertain significance for Hereditary cancer-predisposing syndrome. Last evaluated: 2024-05-02. Review status: criteria provided, single submitter. Criteria: Ambry Variant Classification Scheme 2023. Collection method: clinical testing. Allele origin: germline.
Comment: The c.2761_2766delGCACTT variant (also known as p.A921_L922del) is located in coding exon 15 of the APC gene. This variant results from an in-frame GCACTT deletion at nucleotide positions 2761 to 2766. This results in the in-frame deletion of 2 residues at codons 921 and 922. The amino acid region is not well conserved in available vertebrate species. In addition, this alteration is predicted to be neutral by in silico analysis (Choi Y et al. PLoS ONE. 2012; 7(10):e46688). Based on the available evidence, the clinical significance of this variant remains unclear.